The following is an entry in ClinVar:

ClinVar aggregate classification (germline): Benign/Likely benign. Review status: criteria provided, multiple submitters, no conflicts (2 of 4 stars). 2 submissions from 2 submitters: Benign (1); Likely benign (1). Last evaluated 2024-02-27.

Conditions:
Hereditary cancer-predisposing syndrome. Also called: Neoplastic Syndromes, Hereditary; Tumor predisposition; Hereditary Cancer Syndrome; Hereditary neoplastic syndrome. Identifiers: Orphanet 140162, MedGen C0027672, MeSH D009386, MONDO:0015356.
Familial adenomatous polyposis 1 (FAP1). Also called: FAMILIAL ADENOMATOUS POLYPOSIS 1, ATTENUATED; POLYPOSIS, ADENOMATOUS INTESTINAL. Identifiers: MedGen C2713442, MONDO:0021056, OMIM 175100. Disease mechanism: loss of function.

Submissions (2):

Myriad Genetics, Inc.
Classification: Benign for Familial adenomatous polyposis 1. Last evaluated: 2024-02-27. Review status: criteria provided, single submitter. Criteria: Myriad Autosomal Dominant, Autosomal Recessive and X-Linked Classification Criteria (2023). Collection method: clinical testing. Allele origin: unknown.
Comment: This variant is considered benign. This variant is a silent/synonymous amino acid change and it is not expected to impact splicing.

Ambry Genetics
Classification: Likely benign for Hereditary cancer-predisposing syndrome. Last evaluated: 2015-12-31. Review status: criteria provided, single submitter. Criteria: Ambry Variant Classification Scheme 2023. Collection method: clinical testing. Allele origin: germline.

NM_000038.6(APC):c.904C>A (p.Arg302=)

Gene: APC (APC regulator of Wnt signaling pathway; plus strand). Cytogenetic location: 5q22.2.
Variant type: single nucleotide variant.
Coding change: c.904C>A on transcript NM_000038.6 (MANE Select); coding-DNA position 904, C replaced by A.
Protein change: p.Arg302=; no amino-acid change (arginine 302 retained).
Molecular consequence: synonymous variant. On other transcripts: non-coding transcript variant (2).
Genome position (GRCh38, 1-based): chr5:112,815,564, C>A. VCF-style: chr5-112815564-C-A. GRCh37 (hg19) VCF-style: chr5-112151261-C-A.
Other names: c.904C>A, p.Arg302= (NM_001127510.3, NM_001354895.2, NM_001354896.2 and 12 more transcripts); c.850C>A, p.Arg284= (NM_001127511.3); c.934C>A, p.Arg312= (NM_001354897.2, NM_001354902.2, NM_001407446.1); c.829C>A, p.Arg277= (NM_001354898.2, NM_001354904.2, NM_001407451.1); c.820C>A, p.Arg274= (NM_001354899.2, NM_001407452.1, NM_001407467.1 and 1 more transcripts); c.727C>A, p.Arg243= (NM_001354900.2, NM_001354901.2, NM_001354905.2 and 1 more transcripts); c.55C>A, p.Arg19= (NM_001354906.2, NM_001407470.1, NM_001407471.1 and 1 more transcripts).
Identifiers: ClinVar variation 1765592 (VCV001765592.2), dbSNP rs137854568, ClinGen allele CA445755713.